The following is an entry in ClinVar:

ClinVar aggregate classification (germline): Likely benign. Review status: criteria provided, multiple submitters, no conflicts (2 of 4 stars). 11 submissions from 11 submitters: Likely benign (7). 4 of the submissions do not count toward it. Last evaluated 2026-02-01.

Conditions:
Cobalamin C disease. Also called: Methylmalonic aciduria and homocystinuria, Vitamin B12-responsive; Vitamin B12 metabolic defect with combined deficiency of methylmalonyl-CoA mutase and homocysteine:methyltetrahydrofolate methyltransferase; methylmalonic aciduria and homocystinuria type cblC; Methylmalonic aciduria with homocystinuria cblC type; Cobalamin-C methylmalonic acidemia and homocystinuria; Methylmalonic acidemia and homocystinuria cblC type. Identifiers: Orphanet 26, Orphanet 79282, MedGen C1848561, MONDO:0010184, OMIM 277400.
MMACHC-related disorder. Also called: MMACHC-related condition.

Allele frequency attached by ClinVar (database versions not stated): ExAC 0.00011; gnomAD exomes 0.00014 and 0.00024; 1000 Genomes Project 30x 0.00016; ESP Exome Variant Server 0.00016; TOPMed 0.00019; 1000 Genomes Project 0.00020; gnomAD 0.00023 and 0.00025.
gnomAD v4.1: 387 of 1,614,054 alleles (0.024%); highest among the groups gnomAD compares: Non-Finnish European, 0.027%; 3 homozygotes.

Submissions (11):

Labcorp Genetics (formerly Invitae), Labcorp
Classification: Likely benign for Cobalamin C disease. Last evaluated: 2026-02-01. Review status: criteria provided, single submitter. Criteria: Invitae Variant Classification Sherloc (09022015). Collection method: clinical testing. Allele origin: germline.

CeGaT Center for Human Genetics Tuebingen
Classification: Likely benign. Last evaluated: 2025-04-01. Review status: criteria provided, single submitter. Criteria: CeGaT Center For Human Genetics Tuebingen Variant Classification Criteria Version 2. Collection method: clinical testing. Allele origin: germline. Affected: yes. Observed: 1 variant allele.
Comment: MMACHC: BP4, BP7

Blueprint Genetics
Classification: Likely benign. Last evaluated: 2023-07-19. Review status: criteria provided, single submitter. Criteria: ACMG Guidelines, 2015. Collection method: clinical testing. Allele origin: germline.

Genome-Nilou Lab
Classification: Likely benign for Cobalamin C disease. Last evaluated: 2023-04-11. Review status: criteria provided, single submitter. Criteria: ACMG Guidelines, 2015. Collection method: clinical testing. Allele origin: germline. Affected: no.

Fulgent Genetics
Classification: Likely benign for Cobalamin C disease. Last evaluated: 2021-12-24. Review status: criteria provided, single submitter. Criteria: ACMG Guidelines, 2015. Collection method: clinical testing. Allele origin: unknown.

GeneDx
Classification: Likely benign. Last evaluated: 2018-01-03. Review status: criteria provided, single submitter. Criteria: GeneDx Variant Classification (06012015). Collection method: clinical testing. Allele origin: germline. Affected: yes.
Comment: This variant is considered likely benign or benign based on one or more of the following criteria: it is a conservative change, it occurs at a poorly conserved position in the protein, it is predicted to be benign by multiple in silico algorithms, and/or has population frequency not consistent with disease.

Breakthrough Genomics
Classification: Likely benign. Review status: criteria provided, single submitter. Criteria: ACMG Guidelines, 2015. Collection method: not provided. Allele origin: germline. Inheritance: Autosomal recessive inheritance. Affected: yes.

Natera, Inc.
Classification: Likely benign for Methylmalonic aciduria with homocystinuria cblC type. Last evaluated: 2020-09-16. Review status: no assertion criteria provided. Collection method: clinical testing. Allele origin: germline. Not counted in ClinVar's aggregate classification.

PreventionGenetics, part of Exact Sciences
Classification: Likely benign for MMACHC-related condition. Last evaluated: 2019-08-29. Review status: no assertion criteria provided. Collection method: clinical testing. Allele origin: germline. Not counted in ClinVar's aggregate classification.
Comment: This variant is classified as likely benign based on ACMG/AMP sequence variant interpretation guidelines (Richards et al. 2015 PMID: 25741868, with internal and published modifications).

Clinical Genetics DNA and cytogenetics Diagnostics Lab, Erasmus MC, Erasmus Medical Center
Classification: Likely benign. Review status: no assertion criteria provided. Collection method: clinical testing. Allele origin: germline. Affected: yes. Study: VKGL Data-share Consensus. Not counted in ClinVar's aggregate classification.

Clinical Genetics, Academic Medical Center
Classification: Likely benign. Review status: no assertion criteria provided. Collection method: clinical testing. Allele origin: germline. Affected: yes. Study: VKGL Data-share Consensus. Not counted in ClinVar's aggregate classification.

NM_015506.3(MMACHC):c.126G>A (p.Pro42=)

Gene: MMACHC (metabolism of cobalamin associated C; plus strand). Cytogenetic location: 1p34.1.
Variant type: single nucleotide variant.
Coding change: c.126G>A on transcript NM_015506.3 (MANE Select); coding-DNA position 126, G replaced by A.
Protein change: p.Pro42=; no amino-acid change (proline 42 retained).
Molecular consequence: synonymous variant. On other transcripts: 5 prime UTR variant (1).
Genome position (GRCh38, 1-based): chr1:45,507,400, G>A. VCF-style: chr1-45507400-G-A. GRCh37 (hg19) VCF-style: chr1-45973072-G-A.
Other names: c.-46G>A (NM_001330540.2).
Identifiers: ClinVar variation 465312 (VCV000465312.29), dbSNP rs201112314, ClinGen allele CA827646.